The following is an entry in ClinVar:

NM_003737.4(DCHS1):c.9424T>C (p.Cys3142Arg)

Gene: DCHS1 (dachsous cadherin-related 1; minus strand). Cytogenetic location: 11p15.4.
Variant type: single nucleotide variant.
Coding change: c.9424T>C on transcript NM_003737.4 (MANE Select); coding-DNA position 9424, T replaced by C.
Protein change: p.Cys3142Arg; replaces cysteine 3142 with arginine.
Molecular consequence: missense variant.
Genome position (GRCh38, 1-based): chr11:6,622,252, A>G on the plus strand (T>C on the coding strand, the complement: DCHS1 is on the minus strand). VCF-style: chr11-6622252-A-G. GRCh37 (hg19) VCF-style: chr11-6643483-A-G.
Other names: short protein forms C3142R.
Identifiers: ClinVar variation 3252754 (VCV003252754.2), dbSNP rs1855706972.

ClinVar aggregate classification (germline): Uncertain significance. Review status: criteria provided, multiple submitters, no conflicts (2 of 4 stars). 2 submissions from 2 submitters: Uncertain significance (2). Last evaluated 2024-09-22.

Conditions:
Mitral valve prolapse, myxomatous 2. Also called: Mitral valve prolapse 2; MMVP2. Identifiers: MedGen C1843003, MONDO:0011915, OMIM 607829.

gnomAD v4.1: 1 of 1,603,312 alleles (0.000062%); highest among the groups gnomAD compares: Non-Finnish European, 0.000085%; no homozygotes.

Submissions (2):

Genomic Medicine Center of Excellence, King Faisal Specialist Hospital and Research Centre
Classification: Uncertain significance for Mitral valve prolapse, myxomatous 2. Last evaluated: 2024-09-22. Review status: criteria provided, single submitter. Criteria: ACMG Guidelines, 2015. Collection method: clinical testing. Allele origin: germline.

GeneDx
Classification: Uncertain significance. Last evaluated: 2023-05-11. Review status: criteria provided, single submitter. Criteria: GeneDx Variant Classification Process June 2021. Collection method: clinical testing. Allele origin: germline. Affected: yes.
Comment: Not observed at significant frequency in large population cohorts (gnomAD); In silico analysis supports that this missense variant has a deleterious effect on protein structure/function; Has not been previously published as pathogenic or benign to our knowledge